The following is an entry in ClinVar:

ClinVar aggregate classification (germline): Likely benign (1 of 4 stars; one submission).

Submission:

CeGaT Center for Human Genetics Tuebingen
Classification: Likely benign. Last evaluated: 2024-06-01. Review status: criteria provided, single submitter. Criteria: CeGaT Center For Human Genetics Tuebingen Variant Classification Criteria Version 2. Collection method: clinical testing. Allele origin: germline. Affected: yes. Observed: 1 variant allele.
Comment: KAT6B: PM2:Supporting, BP4, BP7

NM_012330.4(KAT6B):c.2265T>G (p.Leu755=)

Gene: KAT6B (lysine acetyltransferase 6B; plus strand). Cytogenetic location: 10q22.2.
Variant type: single nucleotide variant.
Coding change: c.2265T>G on transcript NM_012330.4 (MANE Select); coding-DNA position 2265, T replaced by G.
Protein change: p.Leu755=; no amino-acid change (leucine 755 retained).
Molecular consequence: synonymous variant. On other transcripts: intron variant (2).
Genome position (GRCh38, 1-based): chr10:74,981,820, T>G. VCF-style: chr10-74981820-T-G. GRCh37 (hg19) VCF-style: chr10-76741578-T-G.
Other names: c.1716T>G, p.Leu572= (NM_001256468.2, NM_001370138.1); c.1389T>G, p.Leu463= (NM_001256469.2, NM_001370132.1, NM_001370139.1 and 3 more transcripts); c.342T>G, p.Leu114= (NM_001370134.1); c.2265T>G, p.Leu755= (NM_001370136.1, NM_001370137.1); c.1200T>G, p.Leu400= (NM_001370143.1, NM_001370144.1); c.847-7199T>G (NM_001370133.1); c.193-7199T>G (NM_001370135.1).
Identifiers: ClinVar variation 3250994 (VCV003250994.18), dbSNP rs2548989442.